The following is an entry in ClinVar:

NM_015346.4(ZFYVE26):c.7050T>C (p.Ala2350=)

Gene: ZFYVE26 (zinc finger FYVE-type containing 26; minus strand). Cytogenetic location: 14q24.1.
Variant type: single nucleotide variant.
Coding change: c.7050T>C on transcript NM_015346.4 (MANE Select); coding-DNA position 7050, T replaced by C.
Protein change: p.Ala2350=; no amino-acid change (alanine 2350 retained).
Molecular consequence: synonymous variant.
Genome position (GRCh38, 1-based): chr14:67,754,149, A>G on the plus strand (T>C on the coding strand, the complement: ZFYVE26 is on the minus strand). VCF-style: chr14-67754149-A-G. GRCh37 (hg19) VCF-style: chr14-68220866-A-G.
Identifiers: ClinVar variation 413793 (VCV000413793.18), dbSNP rs139364887, ClinGen allele CA7239076.

ClinVar aggregate classification (germline): Conflicting classifications of pathogenicity. Review status: criteria provided, conflicting classifications (1 of 4 stars). 4 submissions from 4 submitters: Uncertain significance (1); Likely benign (2). 1 of the submissions does not count toward it. Last evaluated 2026-01-17.

Conditions:
ZFYVE26-related disorder. Also called: ZFYVE26-related condition.
Spastic paraplegia. Identifiers: MedGen C0037772, HP:0001258.
Hereditary spastic paraplegia 15 (SPG15). Also called: KJELLIN SYNDROME; SPASTIC PARAPLEGIA AND RETINAL DEGENERATION; SPASTIC PARAPLEGIA 15, AUTOSOMAL RECESSIVE. Identifiers: Orphanet 100996, MedGen C1849128, MONDO:0010044, OMIM 270700.

Allele frequency attached by ClinVar (database versions not stated): TOPMed 0.00004; gnomAD 0.00006; gnomAD exomes 0.00006 and 0.00008; ExAC 0.00010; ESP Exome Variant Server 0.00015; 1000 Genomes Project 30x 0.00016; 1000 Genomes Project 0.00020.
gnomAD v4.1: 102 of 1,614,270 alleles (0.0063%); highest among the groups gnomAD compares: Middle Eastern, 0.016%; no homozygotes.

Submissions (4):

Labcorp Genetics (formerly Invitae), Labcorp
Classification: Likely benign for Spastic paraplegia. Last evaluated: 2026-01-17. Review status: criteria provided, single submitter. Criteria: Invitae Variant Classification Sherloc (09022015). Collection method: clinical testing. Allele origin: germline.

Blueprint Genetics
Classification: Likely benign. Last evaluated: 2023-10-13. Review status: criteria provided, single submitter. Criteria: ACMG Guidelines, 2015. Collection method: clinical testing. Allele origin: germline.

Illumina Laboratory Services, Illumina
Classification: Uncertain significance for Hereditary spastic paraplegia 15. Last evaluated: 2018-01-13. Review status: criteria provided, single submitter. Criteria: ICSL Variant Classification Criteria 13 December 2019. Collection method: clinical testing. Allele origin: germline.

PreventionGenetics, part of Exact Sciences
Classification: Likely benign for ZFYVE26-related condition. Last evaluated: 2019-07-23. Review status: no assertion criteria provided. Collection method: clinical testing. Allele origin: germline. Not counted in ClinVar's aggregate classification.
Comment: This variant is classified as likely benign based on ACMG/AMP sequence variant interpretation guidelines (Richards et al. 2015 PMID: 25741868, with internal and published modifications).